The following is an entry in ClinVar:

NM_001267550.2(TTN):c.3031G>A (p.Gly1011Arg)

Gene: TTN (titin; minus strand). Cytogenetic location: 2q31.2.
Variant type: single nucleotide variant.
Coding change: c.3031G>A on transcript NM_001267550.2 (MANE Select); coding-DNA position 3031, G replaced by A.
Protein change: p.Gly1011Arg; replaces glycine 1011 with arginine.
Molecular consequence: missense variant.
Genome position (GRCh38, 1-based): chr2:178,782,875, C>T on the plus strand (G>A on the coding strand, the complement: TTN is on the minus strand). VCF-style: chr2-178782875-C-T. GRCh37 (hg19) VCF-style: chr2-179647602-C-T.
Other names: c.3031G>A, p.Gly1011Arg (NM_133378.4, NM_001256850.1, NM_133379.5); c.2893G>A, p.Gly965Arg (NM_003319.4, NM_133432.3, NM_133437.4); short protein forms G1011R, G965R.
Identifiers: ClinVar variation 46898 (VCV000046898.5), dbSNP rs397517546, ClinGen allele CA139459.

ClinVar aggregate classification (germline): Uncertain significance (1 of 4 stars; one submission).

Allele frequency attached by ClinVar (database versions not stated): ExAC 0.00001; gnomAD 0.00001; gnomAD exomes 0.00001 and 0.00002; TOPMed 0.00002.
gnomAD v4.1: 15 of 1,613,906 alleles (0.00093%); highest among the groups gnomAD compares: Admixed American, 0.005%; no homozygotes.

Submission:

Laboratory for Molecular Medicine, Mass General Brigham Personalized Medicine
Classification: Uncertain significance. Last evaluated: 2012-09-19. Review status: criteria provided, single submitter. Criteria: LMM Criteria. Collection method: clinical testing. Allele origin: germline. Observed: 1 variant allele.
Comment: The Gly1011Arg variant in TTN has not been reported in the literature nor previo usly identified by our laboratory. Computational analyses (biochemical amino aci d properties, conservation, AlignGVGD, PolyPhen2, and SIFT) suggest that this va riant may impact the protein, though this information is not predictive enough t o determine pathogenicity. Additional studies are needed to fully assess the cli nical significance of this variant.